The following is an entry in ClinVar:

NM_001377.3(DYNC2H1):c.12457-1G>C

Gene: DYNC2H1 (dynein cytoplasmic 2 heavy chain 1; plus strand). Cytogenetic location: 11q22.3.
Variant type: single nucleotide variant.
Coding change: c.12457-1G>C on transcript NM_001377.3 (MANE Select); the canonical splice acceptor site of the intron before coding-DNA position 12457, G replaced by C.
Molecular consequence: splice acceptor variant.
Genome position (GRCh38, 1-based): chr11:103,455,185, G>C. VCF-style: chr11-103455185-G-C. GRCh37 (hg19) VCF-style: chr11-103325913-G-C.
Other names: c.12478-1G>C (NM_001080463.2).
Identifiers: ClinVar variation 1685309 (VCV001685309.4), dbSNP rs2135805319, ClinGen allele CA382289418.

ClinVar aggregate classification (germline): Likely pathogenic. Review status: criteria provided, multiple submitters, no conflicts (2 of 4 stars). 2 submissions from 2 submitters: Likely pathogenic (2). Last evaluated 2023-11-28.

Conditions:
Jeune thoracic dystrophy. Also called: Short-rib thoracic dysplasia; Jeune syndrome; Infantile thoracic dystrophy; Thoracic pelvic phalangeal dystrophy; Jeune's syndrome; Chondroectodermal dysplasia-like syndrome. Identifiers: Orphanet 474, MedGen C0265275, MONDO:0018770.
Asphyxiating thoracic dystrophy 3. Also called: SHORT-RIB THORACIC DYSPLASIA 3 WITH OR WITHOUT POLYDACTYLY; POLYDACTYLY WITH NEONATAL CHONDRODYSTROPHY, TYPE I; SHORT-RIB THORACIC DYSPLASIA 3/6 WITH POLYDACTYLY, DIGENIC; Short rib polydactyly syndrome 2B; Saldino-Noonan Syndrome. Identifiers: Orphanet 474, Orphanet 93269, Orphanet 93270, Orphanet 93271, MedGen C0036069, MONDO:0013127, OMIM 613091.

Submissions (2):

Labcorp Genetics (formerly Invitae), Labcorp
Classification: Likely pathogenic for Jeune thoracic dystrophy. Last evaluated: 2023-11-28. Review status: criteria provided, single submitter. Criteria: Invitae Variant Classification Sherloc (09022015). Collection method: clinical testing. Allele origin: germline.
Comment: This sequence change affects an acceptor splice site in intron 86 of the DYNC2H1 gene. It is expected to disrupt RNA splicing. Variants that disrupt the donor or acceptor splice site typically lead to a loss of protein function (PMID: 16199547), and loss-of-function variants in DYNC2H1 are known to be pathogenic (PMID: 23339108, 32753734, 33755199). This variant is not present in population databases (gnomAD no frequency). This variant has not been reported in the literature in individuals affected with DYNC2H1-related conditions. ClinVar contains an entry for this variant (Variation ID: 1685309). Algorithms developed to predict the effect of sequence changes on RNA splicing suggest that this variant may disrupt the consensus splice site. In summary, the currently available evidence indicates that the variant is pathogenic, but additional data are needed to prove that conclusively. Therefore, this variant has been classified as Likely Pathogenic.

Mendelics
Classification: Likely pathogenic for Asphyxiating thoracic dystrophy 3. Last evaluated: 2022-05-04. Review status: criteria provided, single submitter. Criteria: Mendelics Assertion Criteria 2019. Collection method: clinical testing. Allele origin: germline.

Literature cited by the submitters: PubMed 16199547 (cited by Labcorp Genetics (formerly Invitae), Labcorp); PubMed 23339108 (cited by Labcorp Genetics (formerly Invitae), Labcorp); PubMed 32753734 (cited by Labcorp Genetics (formerly Invitae), Labcorp); PubMed 33755199 (cited by Labcorp Genetics (formerly Invitae), Labcorp).